The following is an entry in ClinVar:

NM_000747.3(CHRNB1):c.808C>A (p.Pro270Thr)

Gene: CHRNB1 (cholinergic receptor nicotinic beta 1 subunit; plus strand). Cytogenetic location: 17p13.1.
Variant type: single nucleotide variant.
Coding change: c.808C>A on transcript NM_000747.3 (MANE Select); coding-DNA position 808, C replaced by A.
Protein change: p.Pro270Thr; replaces proline 270 with threonine.
Molecular consequence: missense variant.
Genome position (GRCh38, 1-based): chr17:7,448,776, C>A. VCF-style: chr17-7448776-C-A. GRCh37 (hg19) VCF-style: chr17-7352095-C-A.
Other names: short protein forms P270T.
Identifiers: ClinVar variation 641587 (VCV000641587.8), dbSNP rs749302262, ClinGen allele CA8347883.

ClinVar aggregate classification (germline): Uncertain significance (1 of 4 stars; one submission).

Conditions:
Congenital myasthenic syndrome 2A. Also called: Myasthenic syndrome, congenital, 2a, slow-channel. Identifiers: Orphanet 590, MedGen C4225374, MONDO:0014581, OMIM 616313.

Allele frequency attached by ClinVar (database versions not stated): gnomAD exomes below 0.00001; ExAC 0.00001.

Submission:

Labcorp Genetics (formerly Invitae), Labcorp
Classification: Uncertain significance for Congenital myasthenic syndrome 2A. Last evaluated: 2025-10-22. Review status: criteria provided, single submitter. Criteria: Invitae Variant Classification Sherloc (09022015). Collection method: clinical testing. Allele origin: germline.
Comment: This sequence change replaces proline, which is neutral and non-polar, with threonine, which is neutral and polar, at codon 270 of the CHRNB1 protein (p.Pro270Thr). This variant is present in population databases (rs749302262, gnomAD 0.003%). This missense change has been observed in individual(s) with clinical features of CHRNB1-related conditions (internal data). ClinVar contains an entry for this variant (Variation ID: 641587). Invitae Evidence Modeling of protein sequence and biophysical properties (such as structural, functional, and spatial information, amino acid conservation, physicochemical variation, residue mobility, and thermodynamic stability) has been performed for this missense variant. However, the output from this modeling did not meet the statistical confidence thresholds required to predict the impact of this variant on CHRNB1 protein function. In summary, the available evidence is currently insufficient to determine the role of this variant in disease. Therefore, it has been classified as a Variant of Uncertain Significance.